The following is an entry in ClinVar:

NM_000492.3(CFTR):c.-548C>A

Genes: CFTR (CF transmembrane conductance regulator; plus strand), LOC111674463 (CFTR promoter region; plus strand). Cytogenetic location: 7q31.2.
Variant type: single nucleotide variant.
Coding change: c.-548C>A on transcript NM_000492.3; 548 bases upstream of the start codon, C replaced by A.
Genome position (GRCh38, 1-based): chr7:117,479,547, C>A. VCF-style: chr7-117479547-C-A. GRCh37 (hg19) VCF-style: chr7-117119601-C-A.
Identifiers: ClinVar variation 3076099 (VCV003076099.1), dbSNP rs1348978414, ClinGen allele CA2684616495.
Genomic context (GRCh38, chr7:117,479,547, plus strand): 5'-AGGAGGAGGAGGAGGAAGGCAGGCTCCGGGGAAGCTGGTGGCAGCGGGTCCTGGGTCTGG[C>A]GGACCCTGACGCGAAGGAGGGTCTAGGAAGCTCTCCGGGGAGCCGGTTCTCCCGCCGGTG-3'

ClinVar aggregate classification (germline): Uncertain significance (1 of 4 stars; one submission).

Conditions:
Cystic fibrosis (CF). Also called: MUCOVISCIDOSIS. Identifiers: Orphanet 586, MedGen C0010674, MONDO:0009061, OMIM 219700. Disease mechanism: loss of function.

Submission:

Ambry Genetics
Classification: Uncertain significance for Cystic fibrosis. Last evaluated: 2014-09-25. Review status: criteria provided, single submitter. Criteria: Ambry Variant Classification Scheme 2023. Collection method: clinical testing. Allele origin: germline.
Comment: The c.-548C>A alteration is located in the 5' untranslated region (5'UTR) of the CFTR gene. This alteration consists of a C to A substitution nucleotides upstream from the first translated codon. Based on insufficient or conflicting evidence, the clinical significance of this alteration remains unclear.